The following is an entry in ClinVar:

NM_014263.4(YME1L1):c.553C>T (p.Arg185Trp)

Gene: YME1L1 (YME1 like 1 ATPase; minus strand). Cytogenetic location: 10p12.1.
Variant type: single nucleotide variant.
Coding change: c.553C>T on transcript NM_014263.4 (MANE Select); coding-DNA position 553, C replaced by T.
Protein change: p.Arg185Trp; replaces arginine 185 with tryptophan.
Molecular consequence: missense variant.
Genome position (GRCh38, 1-based): chr10:27,134,969, G>A on the plus strand (C>T on the coding strand, the complement: YME1L1 is on the minus strand). VCF-style: chr10-27134969-G-A. GRCh37 (hg19) VCF-style: chr10-27423898-G-A.
Other names: c.454C>T, p.Arg152Trp (NM_001253866.2); c.724C>T, p.Arg242Trp (NM_139312.3); c.724C>T (NM_139312.1); short protein forms R242W, R152W, R185W.
Identifiers: ClinVar variation 2163995 (VCV002163995.5), dbSNP rs768219967, ClinGen allele CA5449555.

ClinVar aggregate classification (germline): Uncertain significance. Review status: criteria provided, multiple submitters, no conflicts (2 of 4 stars). 2 submissions from 2 submitters: Uncertain significance (2). Last evaluated 2025-06-20.

Allele frequency attached by ClinVar (database versions not stated): gnomAD 0.00001; ExAC 0.00002; gnomAD exomes 0.00002; TOPMed 0.00003.
gnomAD v4.1: 24 of 1,611,804 alleles (0.0015%); highest among the groups gnomAD compares: Admixed American, 0.027%; no homozygotes.

Submissions (2):

Labcorp Genetics (formerly Invitae), Labcorp
Classification: Uncertain significance. Last evaluated: 2025-06-20. Review status: criteria provided, single submitter. Criteria: Invitae Variant Classification Sherloc (09022015). Collection method: clinical testing. Allele origin: germline.
Comment: This sequence change replaces arginine, which is basic and polar, with tryptophan, which is neutral and slightly polar, at codon 242 of the YME1L1 protein (p.Arg242Trp). The frequency data for this variant in the population databases is considered unreliable, as metrics indicate poor data quality at this position in the gnomAD database. This variant has not been reported in the literature in individuals affected with YME1L1-related conditions. ClinVar contains an entry for this variant (Variation ID: 2163995). An algorithm developed to predict the effect of missense changes on protein structure and function (PolyPhen-2) suggests that this variant is likely to be disruptive. In summary, the available evidence is currently insufficient to determine the role of this variant in disease. Therefore, it has been classified as a Variant of Uncertain Significance.

Ambry Genetics
Classification: Uncertain significance. Last evaluated: 2021-08-16. Review status: criteria provided, single submitter. Criteria: Ambry Variant Classification Scheme 2023. Collection method: clinical testing. Allele origin: germline.